The following is an entry in ClinVar:

ClinVar aggregate classification (germline): Uncertain significance (1 of 4 stars; one submission).

Conditions:
Neurofibromatosis, type 1 (NF1). Also called: Peripheral type neurofibromatosis; VON RECKLINGHAUSEN DISEASE; Neurofibromatosis, type I; NEUROFIBROMATOSIS, TYPE I, SOMATIC. Identifiers: Orphanet 636, MedGen C0027831, MONDO:0018975, OMIM 162200. Disease mechanism: loss of function.

Submission:

Labcorp Genetics (formerly Invitae), Labcorp
Classification: Uncertain significance for Neurofibromatosis, type 1. Last evaluated: 2024-02-15. Review status: criteria provided, single submitter. Criteria: Invitae Variant Classification Sherloc (09022015). Collection method: clinical testing. Allele origin: germline.
Comment: This sequence change falls in intron 31 of the NF1 gene. It does not directly change the encoded amino acid sequence of the NF1 protein. It affects a nucleotide within the consensus splice site. This variant is not present in population databases (gnomAD no frequency). This variant has not been reported in the literature in individuals affected with NF1-related conditions. Variants that disrupt the consensus splice site are a relatively common cause of aberrant splicing (PMID: 17576681, 9536098). Algorithms developed to predict the effect of sequence changes on RNA splicing suggest that this variant may disrupt the consensus splice site. In summary, the available evidence is currently insufficient to determine the role of this variant in disease. Therefore, it has been classified as a Variant of Uncertain Significance.

Literature cited by the submitters: PubMed 17576681; PubMed 9536098.

NM_001042492.3(NF1):c.4332+3G>T

Gene: NF1 (neurofibromin 1; plus strand). Cytogenetic location: 17q11.2.
Variant type: single nucleotide variant.
Coding change: c.4332+3G>T on transcript NM_001042492.3 (MANE Select); 3 bases into the intron after coding-DNA position 4332, G replaced by T.
Molecular consequence: intron variant.
Genome position (GRCh38, 1-based): chr17:31,258,505, G>T. VCF-style: chr17-31258505-G-T. GRCh37 (hg19) VCF-style: chr17-29585523-G-T.
Other names: c.4269+3G>T (NM_000267.4).
Identifiers: ClinVar variation 3641108 (VCV003641108.2).
Genomic context (GRCh38, chr17:31,258,505, plus strand): 5'-GATTTTAGATAAAAAGCCACCACCTAGAATCGAAAGGGGCTTGAAGTTAATGTCAAAGGT[G>T]AATTATTTTGATAATCTAGCTATCTTAAATTCCCCTTCCAACTAAATTTTCAGCTTTTCT-3'